The following is an entry in ClinVar:

ClinVar aggregate classification (germline): Uncertain significance (1 of 4 stars; one submission).

Conditions:
Birt-Hogg-Dube syndrome. Also called: Birt Hogg Dubé syndrome. Identifiers: Orphanet 122, MedGen C0346010, MONDO:0800444.

Submission:

Labcorp Genetics (formerly Invitae), Labcorp
Classification: Uncertain significance for Birt-Hogg-Dube syndrome. Last evaluated: 2024-02-07. Review status: criteria provided, single submitter. Criteria: Invitae Variant Classification Sherloc (09022015). Collection method: clinical testing. Allele origin: germline.
Comment: This sequence change replaces serine, which is neutral and polar, with glycine, which is neutral and non-polar, at codon 73 of the FLCN protein (p.Ser73Gly). This variant is not present in population databases (gnomAD no frequency). This variant has not been reported in the literature in individuals affected with FLCN-related conditions. Advanced modeling of protein sequence and biophysical properties (such as structural, functional, and spatial information, amino acid conservation, physicochemical variation, residue mobility, and thermodynamic stability) performed at Invitae indicates that this missense variant is not expected to disrupt FLCN protein function with a negative predictive value of 80%. In summary, the available evidence is currently insufficient to determine the role of this variant in disease. Therefore, it has been classified as a Variant of Uncertain Significance.

NM_144997.7(FLCN):c.217A>G (p.Ser73Gly)

Gene: FLCN (folliculin; minus strand). Cytogenetic location: 17p11.2.
Variant type: single nucleotide variant.
Coding change: c.217A>G on transcript NM_144997.7 (MANE Select); coding-DNA position 217, A replaced by G.
Protein change: p.Ser73Gly; replaces serine 73 with glycine.
Molecular consequence: missense variant.
Genome position (GRCh38, 1-based): chr17:17,227,921, T>C on the plus strand (A>G on the coding strand, the complement: FLCN is on the minus strand). VCF-style: chr17-17227921-T-C. GRCh37 (hg19) VCF-style: chr17-17131235-T-C.
Other names: c.217A>G, p.Ser73Gly (NM_001353229.2, NM_001353230.2, NM_001353231.2 and 1 more transcripts); short protein forms S73G.
Identifiers: ClinVar variation 3639226 (VCV003639226.2).